The following is an entry in ClinVar:

NM_000038.6(APC):c.8008A>G (p.Arg2670Gly)

Gene: APC (APC regulator of Wnt signaling pathway; plus strand). Cytogenetic location: 5q22.2.
Variant type: single nucleotide variant.
Coding change: c.8008A>G on transcript NM_000038.6 (MANE Select); coding-DNA position 8008, A replaced by G.
Protein change: p.Arg2670Gly; replaces arginine 2670 with glycine.
Molecular consequence: missense variant.
Genome position (GRCh38, 1-based): chr5:112,843,602, A>G. VCF-style: chr5-112843602-A-G. GRCh37 (hg19) VCF-style: chr5-112179299-A-G.
Other names: c.8008A>G, p.Arg2670Gly (NM_001127510.3, NM_001354895.2); c.7954A>G, p.Arg2652Gly (NM_001127511.3); c.8062A>G, p.Arg2688Gly (NM_001354896.2); c.8038A>G, p.Arg2680Gly (NM_001354897.2); c.7933A>G, p.Arg2645Gly (NM_001354898.2); c.7924A>G, p.Arg2642Gly (NM_001354899.2); c.7885A>G, p.Arg2629Gly (NM_001354900.2); c.7831A>G, p.Arg2611Gly (NM_001354901.2); and 6 more; short protein forms R2569G, R2579G, R2611G, R2652G, R2680G, R2387G, R2642G, R2645G.
Identifiers: ClinVar variation 1381000 (VCV001381000.9), dbSNP rs756875223, ClinGen allele CA16038727.

ClinVar aggregate classification (germline): Uncertain significance. Review status: criteria provided, multiple submitters, no conflicts (2 of 4 stars). 3 submissions from 3 submitters: Uncertain significance (3). Last evaluated 2024-02-13.

Conditions:
Hereditary cancer-predisposing syndrome. Also called: Tumor predisposition; Neoplastic Syndromes, Hereditary; Hereditary Cancer Syndrome; Hereditary neoplastic syndrome. Identifiers: Orphanet 140162, MedGen C0027672, MeSH D009386, MONDO:0015356.
Familial adenomatous polyposis 1 (FAP1). Also called: POLYPOSIS, ADENOMATOUS INTESTINAL; FAMILIAL ADENOMATOUS POLYPOSIS 1, ATTENUATED. Identifiers: MedGen C2713442, MONDO:0021056, OMIM 175100. Disease mechanism: loss of function.

gnomAD v4.1: 1 of 1,614,008 alleles (0.000062%); highest among the groups gnomAD compares: Admixed American, 0.0017%; no homozygotes.

Submissions (3):

Color Diagnostics, LLC DBA Color Health
Classification: Uncertain significance for Hereditary cancer-predisposing syndrome. Last evaluated: 2024-02-13. Review status: criteria provided, single submitter. Criteria: ACMG Guidelines, 2015. Collection method: clinical testing. Allele origin: germline.
Comment: This missense variant replaces arginine with glycine at codon 2670 of the APC protein. Computational prediction is inconclusive regarding the impact of this variant on protein structure and function (internally defined REVEL score threshold 0.5 < inconclusive < 0.7, PMID: 27666373). To our knowledge, functional studies have not been reported for this variant. This variant has not been reported in individuals affected with APC-related disorders in the literature. This variant has not been identified in the general population by the Genome Aggregation Database (gnomAD). The available evidence is insufficient to determine the role of this variant in disease conclusively. Therefore, this variant is classified as a Variant of Uncertain Significance.

Ambry Genetics
Classification: Uncertain significance for Hereditary cancer-predisposing syndrome. Last evaluated: 2022-12-25. Review status: criteria provided, single submitter. Criteria: Ambry Variant Classification Scheme 2023. Collection method: clinical testing. Allele origin: germline.
Comment: The p.R2670G variant (also known as c.8008A>G), located in coding exon 15 of the APC gene, results from an A to G substitution at nucleotide position 8008. The arginine at codon 2670 is replaced by glycine, an amino acid with dissimilar properties. This amino acid position is conserved. In addition, in silico predictors for this gene do not accurately predict pathogenicity. Since supporting evidence is limited at this time, the clinical significance of this alteration remains unclear.

Labcorp Genetics (formerly Invitae), Labcorp
Classification: Uncertain significance for Familial adenomatous polyposis 1. Last evaluated: 2021-10-15. Review status: criteria provided, single submitter. Criteria: Invitae Variant Classification Sherloc (09022015). Collection method: clinical testing. Allele origin: germline.
Comment: This variant has not been reported in the literature in individuals affected with APC-related conditions. In summary, the available evidence is currently insufficient to determine the role of this variant in disease. Therefore, it has been classified as a Variant of Uncertain Significance. Algorithms developed to predict the effect of missense changes on protein structure and function are either unavailable or do not agree on the potential impact of this missense change (SIFT: "Tolerated"; PolyPhen-2: "Probably Damaging"; Align-GVGD: "Class C0"). This variant is not present in population databases (ExAC no frequency). This sequence change replaces arginine with glycine at codon 2670 of the APC protein (p.Arg2670Gly). The arginine residue is highly conserved and there is a moderate physicochemical difference between arginine and glycine.